The following is an entry in ClinVar:

ClinVar aggregate classification (germline): Conflicting classifications of pathogenicity. Review status: criteria provided, conflicting classifications (1 of 4 stars). 4 submissions from 4 submitters: Uncertain significance (2); Likely benign (1). 1 of the submissions does not count toward it. Last evaluated 2025-12-16.

Conditions:
PSPH-related disorder. Also called: PSPH-related condition.
Deficiency of phosphoserine phosphatase (PSPHD). Also called: PSPH deficiency; Phosphoserine phosphatase deficiency. Identifiers: Orphanet 79350, MedGen C1291463, MONDO:0013531, OMIM 614023.

Allele frequency attached by ClinVar (database versions not stated): 1000 Genomes Project 30x 0.00047; 1000 Genomes Project 0.00060; TOPMed 0.00062; gnomAD 0.00078 and 0.00081; ESP Exome Variant Server 0.00085; gnomAD exomes 0.00089; ExAC 0.00103.

Submissions (4):

Labcorp Genetics (formerly Invitae), Labcorp
Classification: Likely benign for Deficiency of phosphoserine phosphatase. Last evaluated: 2025-12-16. Review status: criteria provided, single submitter. Criteria: Invitae Variant Classification Sherloc (09022015). Collection method: clinical testing. Allele origin: germline.

CeGaT Center for Human Genetics Tuebingen
Classification: Uncertain significance. Last evaluated: 2025-01-01. Review status: criteria provided, single submitter. Criteria: CeGaT Center For Human Genetics Tuebingen Variant Classification Criteria Version 2. Collection method: clinical testing. Allele origin: germline. Affected: yes. Observed: 1 variant allele.

Illumina Laboratory Services, Illumina
Classification: Uncertain significance for Deficiency of phosphoserine phosphatase. Last evaluated: 2018-01-12. Review status: criteria provided, single submitter. Criteria: ICSL Variant Classification Criteria 13 December 2019. Collection method: clinical testing. Allele origin: germline.

PreventionGenetics, part of Exact Sciences
Classification: Likely benign for PSPH-related condition. Last evaluated: 2021-01-04. Review status: no assertion criteria provided. Collection method: clinical testing. Allele origin: germline. Not counted in ClinVar's aggregate classification.
Comment: This variant is classified as likely benign based on ACMG/AMP sequence variant interpretation guidelines (Richards et al. 2015 PMID: 25741868, with internal and published modifications).

NM_004577.4(PSPH):c.455C>T (p.Thr152Ile)

Gene: PSPH (phosphoserine phosphatase; minus strand). Cytogenetic location: 7p11.2.
Variant type: single nucleotide variant.
Coding change: c.455C>T on transcript NM_004577.4 (MANE Select); coding-DNA position 455, C replaced by T.
Protein change: p.Thr152Ile; replaces threonine 152 with isoleucine.
Molecular consequence: missense variant.
Genome position (GRCh38, 1-based): chr7:56,015,138, G>A on the plus strand (C>T on the coding strand, the complement: PSPH is on the minus strand). VCF-style: chr7-56015138-G-A. GRCh37 (hg19) VCF-style: chr7-56082831-G-A.
Other names: c.455C>T, p.Thr152Ile (NM_001370503.1, NM_001370504.1, NM_001370505.1 and 17 more transcripts); short protein forms T152I.
Identifiers: ClinVar variation 360505 (VCV000360505.32), dbSNP rs147304638, ClinGen allele CA4268625.